The following is an entry in ClinVar:

NM_000246.4(CIITA):c.3377G>A (p.Arg1126Gln)

Gene: CIITA (class II major histocompatibility complex transactivator; plus strand). Cytogenetic location: 16p13.13.
Variant type: single nucleotide variant.
Coding change: c.3377G>A on transcript NM_000246.4 (MANE Select); coding-DNA position 3377, G replaced by A.
Protein change: p.Arg1126Gln; replaces arginine 1126 with glutamine.
Molecular consequence: missense variant. On other transcripts: non-coding transcript variant (1).
Genome position (GRCh38, 1-based): chr16:10,923,287, G>A. VCF-style: chr16-10923287-G-A. GRCh37 (hg19) VCF-style: chr16-11017144-G-A.
Other names: c.3380G>A, p.Arg1127Gln (NM_001286402.1, NM_001379332.1); c.1625G>A, p.Arg542Gln (NM_001286403.2); c.3233G>A, p.Arg1078Gln (NM_001379330.1); c.3230G>A, p.Arg1077Gln (NM_001379331.1); c.3377G>A, p.Arg1126Gln (NM_001379333.1); c.3308G>A, p.Arg1103Gln (NM_001379334.1); short protein forms R1127Q, R1126Q, R542Q, R1077Q, R1078Q, R1103Q.
Identifiers: ClinVar variation 661928 (VCV000661928.4), dbSNP rs1596619583, ClinGen allele CA394724695.

ClinVar aggregate classification (germline): Uncertain significance. Review status: criteria provided, single submitter (1 of 4 stars). 2 submissions from 2 submitters: Uncertain significance (1). 1 of the submissions does not count toward it. Last evaluated 2024-05-04.

Conditions:
MHC class II deficiency. Also called: Bare lymphocyte syndrome 2; BLS, TYPE II. Identifiers: Orphanet 572, MedGen C5447452, MONDO:0008855.

Allele frequency attached by ClinVar (database versions not stated): gnomAD exomes below 0.00001; TOPMed below 0.00001; gnomAD 0.00001.
gnomAD v4.1: 4 of 1,613,486 alleles (0.00025%); highest among the groups gnomAD compares: Non-Finnish European, 0.00034%; no homozygotes.

Submissions (2):

Labcorp Genetics (formerly Invitae), Labcorp
Classification: Uncertain significance for MHC class II deficiency. Last evaluated: 2024-05-04. Review status: criteria provided, single submitter. Criteria: Invitae Variant Classification Sherloc (09022015). Collection method: clinical testing. Allele origin: germline.
Comment: This sequence change replaces arginine, which is basic and polar, with glutamine, which is neutral and polar, at codon 1126 of the CIITA protein (p.Arg1126Gln). This variant is not present in population databases (gnomAD no frequency). This missense change has been observed in individual(s) with CIITA-related conditions (PMID: 32888943). ClinVar contains an entry for this variant (Variation ID: 661928). An algorithm developed to predict the effect of missense changes on protein structure and function (PolyPhen-2) suggests that this variant is likely to be disruptive. In summary, the available evidence is currently insufficient to determine the role of this variant in disease. Therefore, it has been classified as a Variant of Uncertain Significance.

Natera, Inc.
Classification: Uncertain significance for Bare lymphocyte syndrome type II. Last evaluated: 2025-05-27. Review status: no assertion criteria provided. Collection method: clinical testing. Allele origin: germline. Not counted in ClinVar's aggregate classification.

Literature cited by the submitters: PubMed 32888943 (cited by Labcorp Genetics (formerly Invitae), Labcorp).